The following is an entry in ClinVar:

ClinVar aggregate classification (germline): Uncertain significance. Review status: criteria provided, multiple submitters, no conflicts (2 of 4 stars). 2 submissions from 2 submitters: Uncertain significance (2). Last evaluated 2025-08-09.

Conditions:
Idiopathic generalized epilepsy. Also called: EIG; Generalised epilepsy. Identifiers: MedGen C0270850, MONDO:0005579, OMIM 600669.
Hyperaldosteronism, familial, type IV (HALD4). Also called: FH IV; ALDOSTERONISM, PRIMARY, AND HYPERTENSION. Identifiers: Orphanet 642671, MedGen C4310756, MONDO:0014875, OMIM 617027.
Inborn genetic diseases. Identifiers: MedGen C0950123, MeSH D030342.

Submissions (2):

Ambry Genetics
Classification: Uncertain significance for Inborn genetic diseases. Last evaluated: 2025-08-09. Review status: criteria provided, single submitter. Criteria: Ambry Variant Classification Scheme 2023. Collection method: clinical testing. Allele origin: germline.

Labcorp Genetics (formerly Invitae), Labcorp
Classification: Uncertain significance for Idiopathic generalized epilepsy; Hyperaldosteronism, familial, type IV. Last evaluated: 2023-09-11. Review status: criteria provided, single submitter. Criteria: Invitae Variant Classification Sherloc (09022015). Collection method: clinical testing. Allele origin: germline.
Comment: This sequence change replaces isoleucine, which is neutral and non-polar, with threonine, which is neutral and polar, at codon 1658 of the CACNA1H protein (p.Ile1658Thr). This variant is not present in population databases (gnomAD no frequency). This variant has not been reported in the literature in individuals affected with CACNA1H-related conditions. Advanced modeling of protein sequence and biophysical properties (such as structural, functional, and spatial information, amino acid conservation, physicochemical variation, residue mobility, and thermodynamic stability) performed at Invitae indicates that this missense variant is not expected to disrupt CACNA1H protein function. In summary, the available evidence is currently insufficient to determine the role of this variant in disease. Therefore, it has been classified as a Variant of Uncertain Significance.

NM_021098.3(CACNA1H):c.4973T>C (p.Ile1658Thr)

Gene: CACNA1H (calcium voltage-gated channel subunit alpha1 H; plus strand). Cytogenetic location: 16p13.3.
Variant type: single nucleotide variant.
Coding change: c.4973T>C on transcript NM_021098.3 (MANE Select); coding-DNA position 4973, T replaced by C.
Protein change: p.Ile1658Thr; replaces isoleucine 1658 with threonine.
Molecular consequence: missense variant.
Genome position (GRCh38, 1-based): chr16:1,215,015, T>C. VCF-style: chr16-1215015-T-C. GRCh37 (hg19) VCF-style: chr16-1265015-T-C.
Other names: c.4955T>C, p.Ile1652Thr (NM_001005407.2); c.4973T>C (NM_021098.2); short protein forms I1652T, I1658T.
Identifiers: ClinVar variation 2940901 (VCV002940901.4), dbSNP rs2548720187, ClinGen allele CA394146151.